The following is an entry in ClinVar:

NC_000017.10:g.(?_40690337)_(40690793_?)del

Gene: NAGLU (N-acetyl-alpha-glucosaminidase; plus strand). Cytogenetic location: 17q21.2.
Variant type: Deletion.
Identifiers: ClinVar variation 2422710 (VCV002422710.3).

ClinVar aggregate classification (germline): Pathogenic (1 of 4 stars; one submission).

Conditions:
Charcot-Marie-Tooth disease axonal type 2V. Also called: CHARCOT-MARIE-TOOTH DISEASE, AXONAL, AUTOSOMAL DOMINANT, TYPE 2V; CHARCOT-MARIE-TOOTH NEUROPATHY, TYPE 2V. Identifiers: Orphanet 447964, MedGen C5569050, MONDO:0014665, OMIM 616491.
Mucopolysaccharidosis, MPS-III-B (MPS3B). Also called: N-ACETYL-ALPHA-D-GLUCOSAMINIDASE DEFICIENCY; NAGLU DEFICIENCY; SANFILIPPO SYNDROME B; MPS IIIB (Sanfilippo Syndrome Type B); MPS III B; Mucopolysaccharidosis type IIIB (Sanfilippo B). Identifiers: Orphanet 79270, MedGen C0086648, MONDO:0009656, OMIM 252920.

Submission:

Labcorp Genetics (formerly Invitae), Labcorp
Classification: Pathogenic for Charcot-Marie-Tooth disease axonal type 2V; Mucopolysaccharidosis, MPS-III-B. Last evaluated: 2022-05-29. Review status: criteria provided, single submitter. Criteria: Invitae Variant Classification Sherloc (09022015). Collection method: clinical testing. Allele origin: germline.
Comment: This variant is a gross deletion of the genomic region encompassing exon(s) 3-4 of the NAGLU gene. This deletion is out-of-frame, and is expected to create a premature termination codon and result in an absent or disrupted protein product. Loss-of-function variants in NAGLU are known to be pathogenic (PMID: 9832037, 10094189, 16151907). A similar copy number variant has been observed in individual(s) with mucopolysaccharidosis type III (PMID: 20138557). For these reasons, this variant has been classified as Pathogenic.

Literature cited by the submitters: PubMed 9832037; PubMed 10094189; PubMed 16151907; PubMed 20138557.